The following is an entry in ClinVar:

NM_001113378.2(FANCI):c.792del (p.Arg265fs)

Gene: FANCI (FA complementation group I; plus strand). Cytogenetic location: 15q26.1.
Variant type: Deletion.
Coding change: c.792del on transcript NM_001113378.2 (MANE Select); coding-DNA position 792, one base deleted (T; older notation c.792delT).
Protein change: p.Arg265fs; shifts the reading frame from arginine 265.
Molecular consequence: frameshift variant.
Genome position (GRCh38, 1-based): chr15:89,268,435, T deleted; the last of 2 consecutive T bases (chr15:89,268,434-89,268,435); deleting either gives the same sequence. VCF-style (leftmost placement, unchanged base first): chr15-89268433-CT-C. GRCh37 (hg19) VCF-style: chr15-89811664-CT-C.
Other names: c.513del, p.Arg172fs (NM_001376910.1); c.792del, p.Arg265fs (NM_001376911.1, NM_018193.3); short protein forms R172fs, R265fs.
Identifiers: ClinVar variation 3668640 (VCV003668640.2).

ClinVar aggregate classification (germline): Pathogenic (1 of 4 stars; one submission).

Conditions:
Fanconi anemia (FA). Also called: Fanconi's anemia. Identifiers: Orphanet 84, MedGen C0015625, MeSH D005199, MONDO:0019391.

Submission:

Labcorp Genetics (formerly Invitae), Labcorp
Classification: Pathogenic for Fanconi anemia. Last evaluated: 2024-02-07. Review status: criteria provided, single submitter. Criteria: Invitae Variant Classification Sherloc (09022015). Collection method: clinical testing. Allele origin: germline.
Comment: This sequence change creates a premature translational stop signal (p.Arg265Valfs*21) in the FANCI gene. It is expected to result in an absent or disrupted protein product. Loss-of-function variants in FANCI are known to be pathogenic (PMID: 17452773, 17460694). This variant is not present in population databases (gnomAD no frequency). This premature translational stop signal has been observed in individual(s) with leukemia (PMID: 34308104). Algorithms developed to predict the effect of sequence changes on RNA splicing suggest that this variant may disrupt the consensus splice site. For these reasons, this variant has been classified as Pathogenic.

Literature cited by the submitters: PubMed 17452773; PubMed 17460694; PubMed 34308104.